The following is an entry in ClinVar:

NM_201253.3(CRB1):c.3729T>G (p.Asn1243Lys)

Gene: CRB1 (crumbs cell polarity complex component 1; plus strand). Cytogenetic location: 1q31.3.
Variant type: single nucleotide variant.
Coding change: c.3729T>G on transcript NM_201253.3 (MANE Select); coding-DNA position 3729, T replaced by G.
Protein change: p.Asn1243Lys; replaces asparagine 1243 with lysine.
Molecular consequence: missense variant. On other transcripts: non-coding transcript variant (2), intron variant (1).
Genome position (GRCh38, 1-based): chr1:197,435,592, T>G. VCF-style: chr1-197435592-T-G. GRCh37 (hg19) VCF-style: chr1-197404722-T-G.
Other names: c.3393T>G, p.Asn1131Lys (NM_001193640.2); c.3657T>G, p.Asn1219Lys (NM_001257965.2); c.2129-8T>G (NM_001257966.2); short protein forms N1131K, N1219K, N1243K.
Identifiers: ClinVar variation 2134455 (VCV002134455.4), dbSNP rs770760444, ClinGen allele CA1312383.

ClinVar aggregate classification (germline): Uncertain significance (1 of 4 stars; one submission).

Conditions:
Leber congenital amaurosis 8 (LCA8). Identifiers: Orphanet 65, MedGen C3151202, MONDO:0013453, OMIM 613835.
Retinitis pigmentosa 12 (RP12). Also called: RP WITH OR WITHOUT PPRPE; RP WITH OR WITHOUT PRESERVED PARAARTERIOLE RETINAL PIGMENT EPITHELIUM; RETINITIS PIGMENTOSA WITH OR WITHOUT PARAARTERIOLAR PRESERVATION OF RETINAL PIGMENT EPITHELIUM. Identifiers: Orphanet 791, MedGen C1838647, MONDO:0010818, OMIM 600105.

Allele frequency attached by ClinVar (database versions not stated): ExAC 0.00001; gnomAD 0.00001; gnomAD exomes 0.00001.
gnomAD v4.1: 5 of 1,612,688 alleles (0.00031%); highest among the groups gnomAD compares: Non-Finnish European, 0.00042%; no homozygotes.

Submission:

Labcorp Genetics (formerly Invitae), Labcorp
Classification: Uncertain significance for Leber congenital amaurosis 8; Retinitis pigmentosa 12. Last evaluated: 2025-03-17. Review status: criteria provided, single submitter. Criteria: Invitae Variant Classification Sherloc (09022015). Collection method: clinical testing. Allele origin: germline.
Comment: This sequence change replaces asparagine, which is neutral and polar, with lysine, which is basic and polar, at codon 1243 of the CRB1 protein (p.Asn1243Lys). This variant is present in population databases (rs770760444, gnomAD 0.002%). This variant has not been reported in the literature in individuals affected with CRB1-related conditions. ClinVar contains an entry for this variant (Variation ID: 2134455). Invitae Evidence Modeling of protein sequence and biophysical properties (such as structural, functional, and spatial information, amino acid conservation, physicochemical variation, residue mobility, and thermodynamic stability) indicates that this missense variant is expected to disrupt CRB1 protein function with a positive predictive value of 95%. In summary, the available evidence is currently insufficient to determine the role of this variant in disease. Therefore, it has been classified as a Variant of Uncertain Significance.